The following is an entry in ClinVar:

ClinVar aggregate classification (germline): Uncertain significance. Review status: criteria provided, multiple submitters, no conflicts (2 of 4 stars). 5 submissions from 5 submitters: Uncertain significance (5). Last evaluated 2024-10-14.

Conditions:
Neuromuscular disease caused by qualitative or quantitative defects of alpha-dystroglycan. Also called: Qualitative or quantitative defects of alpha-dystroglycan; alpha-Dystroglycanopathy; aDGpathy. Identifiers: Orphanet 371024, MedGen C2936406, MONDO:0018282.
Autosomal recessive limb-girdle muscular dystrophy type 2P. Also called: MUSCULAR DYSTROPHY, LIMB-GIRDLE, TYPE 2P; Limb-Girdle Muscular Dystrophy Type 9C; MUSCULAR DYSTROPHY-DYSTROGLYCANOPATHY, LIMB-GIRDLE, DAG1-RELATED. Identifiers: Orphanet 280333, MedGen C4511963, MONDO:0013440, OMIM 613818.
Muscular dystrophy-dystroglycanopathy (congenital with brain and eye anomalies), type A9. Also called: WALKER-WARBURG SYNDROME OR MUSCLE-EYE BRAIN DISEASE, DAG1-RELATED; Muscular dystrophy-dystroglycanopathy (congenital with brain and eye anomalies), type a, 9. Identifiers: Orphanet 370997, Orphanet 899, MedGen C4225291, MONDO:0014683, OMIM 616538.

Allele frequency attached by ClinVar (database versions not stated): gnomAD 0.00004 and 0.00005; ExAC 0.00005; gnomAD exomes 0.00005; TOPMed 0.00006; ESP Exome Variant Server 0.00015.
gnomAD v4.1: 152 of 1,614,078 alleles (0.0094%); highest among the groups gnomAD compares: Non-Finnish European, 0.012%; no homozygotes.

Submissions (5):

GeneDx
Classification: Uncertain significance. Last evaluated: 2024-10-14. Review status: criteria provided, single submitter. Criteria: GeneDx Variant Classification Process June 2021. Collection method: clinical testing. Allele origin: germline. Affected: yes.
Comment: Reported in the heterozygous state in a patient with language impairment (PMID: 28440294); Not observed at significant frequency in large population cohorts (gnomAD); In silico analysis supports that this missense variant has a deleterious effect on protein structure/function; This variant is associated with the following publications: (PMID: 21388311, 30564623, 28440294)

Molecular Genetics, Royal Melbourne Hospital
Classification: Uncertain significance for Neuromuscular disease caused by qualitative or quantitative defects of alpha-dystroglycan. Last evaluated: 2023-06-15. Review status: criteria provided, single submitter. Criteria: ACMG Guidelines, 2015. Collection method: clinical testing. Allele origin: germline. Inheritance: Autosomal recessive inheritance.
Comment: This sequence change in DAG1 is predicted to replace arginine with tryptophan at codon 652, p.(Arg652Trp). The arginine residue is moderately conserved (100 vertebrates, UCSC), and is located in the pepdidase S72 domain. There is a large physicochemical difference between arginine and tryptophan. The highest population minor allele frequency in the population database gnomAD v2.1 is 0.008% (10/128,926 alleles) in the European (non-Finnish) population, which is consistent with recessive disease. To our knowledge, this variant has not been reported in the relevant literature in any individuals. Multiple lines of computational evidence have conflicting predictions for the missense substitution (3/6 algorithms). Based on the classification scheme RMH Modified ACMG Guidelines v1.5.1, this variant is classified as a VARIANT OF UNCERTAIN SIGNIFICANCE. Following criteria are met: PM2_Supporting.

Labcorp Genetics (formerly Invitae), Labcorp
Classification: Uncertain significance for Autosomal recessive limb-girdle muscular dystrophy type 2P; Muscular dystrophy-dystroglycanopathy (congenital with brain and eye anomalies), type A9. Last evaluated: 2022-02-12. Review status: criteria provided, single submitter. Criteria: Invitae Variant Classification Sherloc (09022015). Collection method: clinical testing. Allele origin: germline.
Comment: This sequence change replaces arginine, which is basic and polar, with tryptophan, which is neutral and slightly polar, at codon 652 of the DAG1 protein (p.Arg652Trp). This variant is present in population databases (rs151272832, gnomAD 0.007%). This variant has not been reported in the literature in individuals affected with DAG1-related conditions. ClinVar contains an entry for this variant (Variation ID: 285302). Algorithms developed to predict the effect of missense changes on protein structure and function are either unavailable or do not agree on the potential impact of this missense change (SIFT: "Deleterious"; PolyPhen-2: "Possibly Damaging"; Align-GVGD: "Class C0"). In summary, the available evidence is currently insufficient to determine the role of this variant in disease. Therefore, it has been classified as a Variant of Uncertain Significance.

Revvity Omics, Revvity
Classification: Uncertain significance. Last evaluated: 2019-04-16. Review status: criteria provided, single submitter. Criteria: ACMG Guidelines, 2015. Collection method: clinical testing. Allele origin: germline.

Eurofins Ntd Llc (ga)
Classification: Uncertain significance. Last evaluated: 2016-12-27. Review status: criteria provided, single submitter. Criteria: EGL Classification Definitions 2015. Collection method: clinical testing. Allele origin: germline. Observed: 2 variant alleles, 2 heterozygotes.

NM_004393.6(DAG1):c.1954C>T (p.Arg652Trp)

Gene: DAG1 (dystroglycan 1; plus strand). Cytogenetic location: 3p21.31.
Variant type: single nucleotide variant.
Coding change: c.1954C>T on transcript NM_004393.6 (MANE Select); coding-DNA position 1954, C replaced by T.
Protein change: p.Arg652Trp; replaces arginine 652 with tryptophan.
Molecular consequence: missense variant.
Genome position (GRCh38, 1-based): chr3:49,532,465, C>T. VCF-style: chr3-49532465-C-T. GRCh37 (hg19) VCF-style: chr3-49569898-C-T.
Other names: c.1954C>T, p.Arg652Trp (NM_001177637.3, NM_001177638.3, NM_001177639.3 and 9 more transcripts); c.1954C>T (NM_004393.5); short protein forms R652W.
Identifiers: ClinVar variation 285302 (VCV000285302.14), dbSNP rs151272832, ClinGen allele CA2399178.